The following is an entry in ClinVar:

NM_025114.4(CEP290):c.5586+1G>C

Gene: CEP290 (centrosomal protein 290; minus strand). Cytogenetic location: 12q21.32.
Variant type: single nucleotide variant.
Coding change: c.5586+1G>C on transcript NM_025114.4 (MANE Select); the canonical splice donor site of the intron after coding-DNA position 5586, G replaced by C.
Molecular consequence: splice donor variant.
Genome position (GRCh38, 1-based): chr12:88,077,696, C>G on the plus strand (G>C on the coding strand, the complement: CEP290 is on the minus strand). VCF-style: chr12-88077696-C-G. GRCh37 (hg19) VCF-style: chr12-88471473-C-G.
Identifiers: ClinVar variation 866992 (VCV000866992.10), dbSNP rs2035880971, ClinGen allele CA385987997.

ClinVar aggregate classification (germline): Likely pathogenic. Review status: criteria provided, multiple submitters, no conflicts (2 of 4 stars). 2 submissions from 2 submitters: Likely pathogenic (2). Last evaluated 2025-01-20.

Conditions:
Nephronophthisis. Also called: Juvenile Nephronophthisis. Identifiers: Orphanet 655, MedGen C0687120, MONDO:0019005, HP:0000090.
Joubert syndrome. Also called: JOUBERT-BOLTSHAUSER SYNDROME; Familial aplasia of the vermis. Identifiers: Orphanet 475, MedGen C5979921, MONDO:0018772.
Meckel-Gruber syndrome. Also called: GRUBER SYNDROME; Dysencephalia splachnocystica; DYSENCEPHALIA SPLANCHNOCYSTICA. Identifiers: Orphanet 564, MedGen C0265215, MONDO:0018921.
CEP290-related disorder. Also called: CEP290-related condition; CEP290-related disorders. Identifiers: MedGen CN239314.

Submissions (2):

Labcorp Genetics (formerly Invitae), Labcorp
Classification: Likely pathogenic for Joubert syndrome; Meckel-Gruber syndrome; Nephronophthisis. Last evaluated: 2025-01-20. Review status: criteria provided, single submitter. Criteria: Invitae Variant Classification Sherloc (09022015). Collection method: clinical testing. Allele origin: germline.
Comment: This sequence change affects a donor splice site in intron 40 of the CEP290 gene. It is expected to disrupt RNA splicing. Variants that disrupt the donor or acceptor splice site typically lead to a loss of protein function (PMID: 16199547), and loss-of-function variants in CEP290 are known to be pathogenic (PMID: 16909394, 17345604, 20690115). This variant is not present in population databases (gnomAD no frequency). This variant has not been reported in the literature in individuals affected with CEP290-related conditions. ClinVar contains an entry for this variant (Variation ID: 866992). Algorithms developed to predict the effect of sequence changes on RNA splicing suggest that this variant may disrupt the consensus splice site. In summary, the currently available evidence indicates that the variant is pathogenic, but additional data are needed to prove that conclusively. Therefore, this variant has been classified as Likely Pathogenic.

Blueprint Genetics
Classification: Likely pathogenic for CEP290-related disorders. Last evaluated: 2018-08-28. Review status: criteria provided, single submitter. Criteria: ACMG Guidelines, 2015. Collection method: clinical testing. Allele origin: germline. Affected: yes. Observed: 1 variant allele.

Literature cited by the submitters: PubMed 16199547 (cited by Labcorp Genetics (formerly Invitae), Labcorp); PubMed 16909394 (cited by Labcorp Genetics (formerly Invitae), Labcorp); PubMed 17345604 (cited by Labcorp Genetics (formerly Invitae), Labcorp); PubMed 20690115 (cited by Labcorp Genetics (formerly Invitae), Labcorp).